The following is an entry in ClinVar:

ClinVar aggregate classification (germline): Uncertain significance (1 of 4 stars; one submission).

Conditions:
Retinoblastoma (RB1). Also called: RETINOBLASTOMA, SOMATIC. Identifiers: Orphanet 790, MedGen C0035335, MeSH D012175, MONDO:0008380, OMIM 180200, HP:0009919. Disease mechanism: loss of function. Inheritance: Both sporadic and heritable forms are tested..

Allele frequency attached by ClinVar (database versions not stated): gnomAD exomes below 0.00001; gnomAD 0.00003; TOPMed 0.00005.
gnomAD v4.1: 8 of 1,393,038 alleles (0.00057%); highest among the groups gnomAD compares: African/African-American, 0.0091%; no homozygotes.

Submission:

Labcorp Genetics (formerly Invitae), Labcorp
Classification: Uncertain significance for Retinoblastoma. Last evaluated: 2024-10-23. Review status: criteria provided, single submitter. Criteria: Invitae Variant Classification Sherloc (09022015). Collection method: clinical testing. Allele origin: germline.
Comment: This variant occurs in a non-coding region of the RB1 gene. It does not change the encoded amino acid sequence of the RB1 protein. This variant is not present in population databases (gnomAD no frequency). This variant has not been reported in the literature in individuals affected with RB1-related conditions. In summary, the available evidence is currently insufficient to determine the role of this variant in disease. Therefore, it has been classified as a Variant of Uncertain Significance.

NM_000321.3(RB1):c.-126C>T

Gene: RB1 (RB transcriptional corepressor 1; plus strand). Cytogenetic location: 13q14.2.
Variant type: single nucleotide variant.
Coding change: c.-126C>T on transcript NM_000321.3 (MANE Select); 126 bases upstream of the start codon, C replaced by T.
Molecular consequence: 5 prime UTR variant.
Genome position (GRCh38, 1-based): chr13:48,303,787, C>T. VCF-style: chr13-48303787-C-T. GRCh37 (hg19) VCF-style: chr13-48877923-C-T.
Other names: c.-126C>T (NM_001407165.1, NM_001407166.1, NM_001407167.1).
Identifiers: ClinVar variation 2907279 (VCV002907279.3), dbSNP rs938037004, ClinGen allele CA249842010.
Genomic context (GRCh38, chr13:48,303,787, plus strand): 5'-TTCCCGCGGTTGGACGCGGCGCTCAGTTGCCGGGCGGGGGAGGGCGCGTCCGGTTTTTCT[C>T]AGGGGACGTTGAAATTATTTTTGTAACGGGAGTCGGGAGAGGACGGGGCGTGCCCCGACG-3'